The following is an entry in ClinVar:

NM_198506.5(LRIT3):c.689T>A (p.Met230Lys)

Gene: LRIT3 (leucine rich repeat, Ig-like and transmembrane domains 3; plus strand). Cytogenetic location: 4q25.
Variant type: single nucleotide variant.
Coding change: c.689T>A on transcript NM_198506.5 (MANE Select); coding-DNA position 689, T replaced by A.
Protein change: p.Met230Lys; replaces methionine 230 with lysine.
Molecular consequence: missense variant.
Genome position (GRCh38, 1-based): chr4:109,867,740, T>A. VCF-style: chr4-109867740-T-A. GRCh37 (hg19) VCF-style: chr4-110788896-T-A.
Other names: short protein forms M230K.
Identifiers: ClinVar variation 1494368 (VCV001494368.6), dbSNP rs2125900953, ClinGen allele CA357866972.

ClinVar aggregate classification (germline): Uncertain significance (1 of 4 stars; one submission).

Submission:

Labcorp Genetics (formerly Invitae), Labcorp
Classification: Uncertain significance. Last evaluated: 2023-03-31. Review status: criteria provided, single submitter. Criteria: Invitae Variant Classification Sherloc (09022015). Collection method: clinical testing. Allele origin: germline.
Comment: An algorithm developed to predict the effect of missense changes on protein structure and function (PolyPhen-2) suggests that this variant is likely to be disruptive. In summary, the available evidence is currently insufficient to determine the role of this variant in disease. Therefore, it has been classified as a Variant of Uncertain Significance. ClinVar contains an entry for this variant (Variation ID: 1494368). This variant has not been reported in the literature in individuals affected with LRIT3-related conditions. This variant is not present in population databases (gnomAD no frequency). This sequence change replaces methionine, which is neutral and non-polar, with lysine, which is basic and polar, at codon 230 of the LRIT3 protein (p.Met230Lys).